The following is an entry in ClinVar:

NM_005751.5(AKAP9):c.7310G>A (p.Arg2437His)

Gene: AKAP9 (A-kinase anchoring protein 9; plus strand). Cytogenetic location: 7q21.2.
Variant type: single nucleotide variant.
Coding change: c.7310G>A on transcript NM_005751.5 (MANE Select); coding-DNA position 7310, G replaced by A.
Protein change: p.Arg2437His; replaces arginine 2437 with histidine.
Molecular consequence: missense variant.
Genome position (GRCh38, 1-based): chr7:92,079,443, G>A. VCF-style: chr7-92079443-G-A. GRCh37 (hg19) VCF-style: chr7-91708757-G-A.
Other names: c.1955G>A, p.Arg652His (NM_001379277.1); c.7286G>A, p.Arg2429His (NM_147185.3); short protein forms R2429H, R2437H, R652H.
Identifiers: ClinVar variation 3282291 (VCV003282291.3).
Genomic context (GRCh38, chr7:92,079,443, plus strand): 5'-AAGAAACCAATTTTAAAATGAATCAGCTAACACAGGAATTATTCAGCTTAAAGAGAGAAC[G>A]TGAAAGTGTGGAAAAGATTCAAAGCATACCAGAGAATAGTGTTAACGTGGCTATAGATCA-3'
Protein context (NP_005742.4, residues 2427-2447): TQELFSLKRE[Arg2437His]ESVEKIQSIP

ClinVar aggregate classification (germline): Conflicting classifications of pathogenicity. Review status: criteria provided, conflicting classifications (1 of 4 stars). 2 submissions from 2 submitters: Uncertain significance (1); Likely benign (1). Last evaluated 2026-01-26.

Conditions:
Cardiovascular phenotype. Identifiers: MedGen CN230736.
Long QT syndrome (LQTS). Identifiers: MedGen C0023976, MeSH D008133, MONDO:0002442. Disease mechanism: loss of function. Inheritance: Various modes of inheritance.

gnomAD v4.1: 43 of 1,614,066 alleles (0.0027%); highest among the groups gnomAD compares: South Asian, 0.038%; 1 homozygote.

Submissions (2):

Labcorp Genetics (formerly Invitae), Labcorp
Classification: Uncertain significance for Long QT syndrome. Last evaluated: 2026-01-26. Review status: criteria provided, single submitter. Criteria: Invitae Variant Classification Sherloc (09022015). Collection method: clinical testing. Allele origin: germline.
Comment: This sequence change replaces arginine, which is basic and polar, with histidine, which is basic and polar, at codon 2437 of the AKAP9 protein (p.Arg2437His). This variant is present in population databases (rs544300174, gnomAD 0.06%), and has an allele count higher than expected for a pathogenic variant. This variant has not been reported in the literature in individuals affected with AKAP9-related conditions. ClinVar contains an entry for this variant (Variation ID: 3282291). An algorithm developed to predict the effect of missense changes on protein structure and function outputs the following: PolyPhen-2: "Benign". The histidine amino acid residue is found in multiple mammalian species, which suggests that this missense change does not adversely affect protein function. In summary, the available evidence is currently insufficient to determine the role of this variant in disease. Therefore, it has been classified as a Variant of Uncertain Significance.

Ambry Genetics
Classification: Likely benign for Cardiovascular phenotype. Last evaluated: 2024-10-14. Review status: criteria provided, single submitter. Criteria: Ambry Variant Classification Scheme 2023. Collection method: clinical testing. Allele origin: germline.